The following is an entry in ClinVar:

ClinVar aggregate classification (germline): Pathogenic/Likely pathogenic. Review status: criteria provided, multiple submitters, no conflicts (2 of 4 stars). 3 submissions from 3 submitters: Pathogenic (1); Likely pathogenic (1). 1 of the submissions does not count toward it. Last evaluated 2024-07-01.

Conditions:
X-linked Alport syndrome (ATS1). Also called: COL4A5-Related Nephropathy; NEPHROPATHY AND DEAFNESS, X-LINKED. Identifiers: Orphanet 63, Orphanet 88917, MedGen C4746986, MONDO:0010520, OMIM 301050.

Submissions (3):

CeGaT Center for Human Genetics Tuebingen
Classification: Likely pathogenic. Last evaluated: 2024-07-01. Review status: criteria provided, single submitter. Criteria: CeGaT Center For Human Genetics Tuebingen Variant Classification Criteria Version 2. Collection method: clinical testing. Allele origin: germline. Affected: yes. Observed: 1 variant allele.
Comment: COL4A5: PM1:Strong, PM2, PM5, PS4:Supporting

Institute of Human Genetics Munich, TUM University Hospital
Classification: Pathogenic for X-linked Alport syndrome. Last evaluated: 2018-12-11. Review status: criteria provided, single submitter. Criteria: Classification criteria August 2017. Collection method: clinical testing. Allele origin: germline. Inheritance: X-linked inheritance. Affected: yes. Observed: 1 hemizygote.

Bioscientia Institut fuer Medizinische Diagnostik GmbH, Sonic Healthcare
Classification: Pathogenic for X-linked Alport syndrome. Last evaluated: 2019-08-09. Review status: no assertion criteria provided. Collection method: clinical testing. Allele origin: germline. Affected: yes. Not counted in ClinVar's aggregate classification.

NM_033380.3(COL4A5):c.2314G>A (p.Gly772Ser)

Gene: COL4A5 (collagen type IV alpha 5 chain; plus strand). Cytogenetic location: Xq22.3.
Variant type: single nucleotide variant.
Coding change: c.2314G>A on transcript NM_033380.3 (MANE Select); coding-DNA position 2314, G replaced by A.
Protein change: p.Gly772Ser; replaces glycine 772 with serine.
Molecular consequence: missense variant.
Genome position (GRCh38, 1-based): chrX:108,606,811, G>A. VCF-style: chrX-108606811-G-A. GRCh37 (hg19) VCF-style: chrX-107850041-G-A.
Other names: c.2314G>A, p.Gly772Ser (NM_000495.5); short protein forms G772S.
Identifiers: ClinVar variation 807578 (VCV000807578.23), dbSNP rs1603293570, ClinGen allele CA413848960.